The following is an entry in ClinVar:

NM_001330260.2(SCN8A):c.2448T>A (p.Gly816=)

Gene: SCN8A (sodium voltage-gated channel alpha subunit 8; plus strand). Cytogenetic location: 12q13.13.
Variant type: single nucleotide variant.
Coding change: c.2448T>A on transcript NM_001330260.2 (MANE Select); coding-DNA position 2448, T replaced by A.
Protein change: p.Gly816=; no amino-acid change (glycine 816 retained).
Molecular consequence: synonymous variant.
Genome position (GRCh38, 1-based): chr12:51,762,580, T>A. VCF-style: chr12-51762580-T-A. GRCh37 (hg19) VCF-style: chr12-52156364-T-A.
Other names: c.2448T>A, p.Gly816= (NM_001177984.3, NM_001369788.1, NM_014191.4).
Identifiers: ClinVar variation 2849112 (VCV002849112.3), dbSNP rs545621709, ClinGen allele CA479788247.

ClinVar aggregate classification (germline): Uncertain significance (1 of 4 stars; one submission).

Conditions:
Early-infantile DEE. Also called: Ohtahara syndrome; Early infantile epileptic encephalopathy with suppression bursts; Early infantile epileptic encephalopathy. Identifiers: Orphanet 1934, MedGen C0393706, MONDO:0800491.

Submission:

Labcorp Genetics (formerly Invitae), Labcorp
Classification: Uncertain significance for Early-infantile DEE. Last evaluated: 2023-03-24. Review status: criteria provided, single submitter. Criteria: Invitae Variant Classification Sherloc (09022015). Collection method: clinical testing. Allele origin: germline.
Comment: This variant is not present in population databases (gnomAD no frequency). This sequence change affects codon 816 of the SCN8A mRNA. It is a 'silent' change, meaning that it does not change the encoded amino acid sequence of the SCN8A protein. This variant has not been reported in the literature in individuals affected with SCN8A-related conditions. Algorithms developed to predict the effect of sequence changes on RNA splicing suggest that this variant may disrupt the consensus splice site. In summary, the available evidence is currently insufficient to determine the role of this variant in disease. Therefore, it has been classified as a Variant of Uncertain Significance.